The following is an entry in ClinVar:

NM_004370.6(COL12A1):c.5392A>T (p.Thr1798Ser)

Gene: COL12A1 (collagen type XII alpha 1 chain; minus strand). Cytogenetic location: 6q13.
Variant type: single nucleotide variant.
Coding change: c.5392A>T on transcript NM_004370.6 (MANE Select); coding-DNA position 5392, A replaced by T.
Protein change: p.Thr1798Ser; replaces threonine 1798 with serine.
Molecular consequence: missense variant.
Genome position (GRCh38, 1-based): chr6:75,137,439, T>A on the plus strand (A>T on the coding strand, the complement: COL12A1 is on the minus strand). VCF-style: chr6-75137439-T-A. GRCh37 (hg19) VCF-style: chr6-75847155-T-A.
Other names: c.1900A>T, p.Thr634Ser (NM_080645.3); short protein forms T1798S, T634S.
Identifiers: ClinVar variation 2440257 (VCV002440257.6), dbSNP rs2533310366, ClinGen allele CA364737224.

ClinVar aggregate classification (germline): Uncertain significance. Review status: criteria provided, multiple submitters, no conflicts (2 of 4 stars). 2 submissions from 2 submitters: Uncertain significance (2). Last evaluated 2023-01-03.

Conditions:
Bethlem myopathy 2 (BTHLM2). Identifiers: Orphanet 536516, Orphanet 610, MedGen C4225313, MONDO:0034022, OMIM 616471.
Ullrich congenital muscular dystrophy 2 (UCMD2). Identifiers: Orphanet 75840, MedGen C4225314, MONDO:0014654, OMIM 616470.

Allele frequency attached by ClinVar (database versions not stated): gnomAD exomes below 0.00001.
gnomAD v4.1: 1 of 1,585,248 alleles (0.000063%); highest among the groups gnomAD compares: Non-Finnish European, 0.000085%; no homozygotes.

Submissions (2):

Labcorp Genetics (formerly Invitae), Labcorp
Classification: Uncertain significance for Bethlem myopathy 2; Ullrich congenital muscular dystrophy 2. Last evaluated: 2023-01-03. Review status: criteria provided, single submitter. Criteria: Invitae Variant Classification Sherloc (09022015). Collection method: clinical testing. Allele origin: germline.
Comment: This sequence change replaces threonine, which is neutral and polar, with serine, which is neutral and polar, at codon 1798 of the COL12A1 protein (p.Thr1798Ser). In summary, the available evidence is currently insufficient to determine the role of this variant in disease. Therefore, it has been classified as a Variant of Uncertain Significance. Algorithms developed to predict the effect of missense changes on protein structure and function (SIFT, PolyPhen-2, Align-GVGD) all suggest that this variant is likely to be tolerated. This variant has not been reported in the literature in individuals affected with COL12A1-related conditions. This variant is not present in population databases (gnomAD no frequency).

Revvity Omics, Revvity
Classification: Uncertain significance. Last evaluated: 2019-09-13. Review status: criteria provided, single submitter. Criteria: ACMG Guidelines, 2015. Collection method: clinical testing. Allele origin: germline.